The following is an entry in ClinVar:

NM_020631.6(PLEKHG5):c.431G>T (p.Arg144Leu)

Gene: PLEKHG5 (pleckstrin homology and RhoGEF domain containing G5; minus strand). Cytogenetic location: 1p36.31.
Variant type: single nucleotide variant.
Coding change: c.431G>T on transcript NM_020631.6 (MANE Select); coding-DNA position 431, G replaced by T.
Protein change: p.Arg144Leu; replaces arginine 144 with leucine.
Molecular consequence: missense variant.
Genome position (GRCh38, 1-based): chr1:6,474,459, C>A on the plus strand (G>T on the coding strand, the complement: PLEKHG5 is on the minus strand). VCF-style: chr1-6474459-C-A. GRCh37 (hg19) VCF-style: chr1-6534519-C-A.
Other names: c.542G>T, p.Arg181Leu (NM_001042663.3, NM_001265592.2); c.431G>T, p.Arg144Leu (NM_001042664.2, NM_001042665.2, NM_001265594.3 and 1 more transcripts); c.638G>T, p.Arg213Leu (NM_001265593.2); short protein forms R144L, R181L, R213L.
Identifiers: ClinVar variation 1328097 (VCV001328097.6), dbSNP rs150152888, ClinGen allele CA338139042.

ClinVar aggregate classification (germline): Uncertain significance. Review status: criteria provided, single submitter (1 of 4 stars). 3 submissions from 3 submitters: Uncertain significance (1). 2 of the submissions do not count toward it. Last evaluated 2021-09-24.

Conditions:
Neuronopathy, distal hereditary motor, autosomal recessive 4. Also called: Autosomal recessive lower motor neuron disease with childhood onset; NEUROPATHY, DISTAL HEREDITARY MOTOR, AUTOSOMAL RECESSIVE 4. Identifiers: Orphanet 206580, MedGen C1970211, MONDO:0012608, OMIM 611067.
Charcot-Marie-Tooth disease recessive intermediate C. Also called: CHARCOT-MARIE-TOOTH NEUROPATHY, RECESSIVE INTERMEDIATE C. Identifiers: Orphanet 369867, MedGen C3809309, MONDO:0014154, OMIM 615376.

gnomAD v4.1: 10 of 1,613,750 alleles (0.00062%); highest among the groups gnomAD compares: Non-Finnish European, 0.00085%; no homozygotes.

Submissions (3):

Labcorp Genetics (formerly Invitae), Labcorp
Classification: Uncertain significance for Neuronopathy, distal hereditary motor, autosomal recessive 4; Charcot-Marie-Tooth disease recessive intermediate C. Last evaluated: 2021-09-24. Review status: criteria provided, single submitter. Criteria: Invitae Variant Classification Sherloc (09022015). Collection method: clinical testing. Allele origin: germline.
Comment: This sequence change replaces arginine with leucine at codon 144 of the PLEKHG5 protein (p.Arg144Leu). The arginine residue is weakly conserved and there is a moderate physicochemical difference between arginine and leucine. This variant is not present in population databases (ExAC no frequency). This variant has not been reported in the literature in individuals affected with PLEKHG5-related conditions. Algorithms developed to predict the effect of missense changes on protein structure and function are either unavailable or do not agree on the potential impact of this missense change (SIFT: "Deleterious"; PolyPhen-2: "Benign"; Align-GVGD: "Class C0"). In summary, the available evidence is currently insufficient to determine the role of this variant in disease. Therefore, it has been classified as a Variant of Uncertain Significance.

Clinical Genetics DNA and cytogenetics Diagnostics Lab, Erasmus MC, Erasmus Medical Center
Classification: Uncertain significance. Review status: no assertion criteria provided. Collection method: clinical testing. Allele origin: germline. Affected: yes. Study: VKGL Data-share Consensus. Not counted in ClinVar's aggregate classification.

Clinical Genetics, Academic Medical Center
Classification: Uncertain significance. Review status: no assertion criteria provided. Collection method: clinical testing. Allele origin: germline. Affected: yes. Study: VKGL Data-share Consensus. Not counted in ClinVar's aggregate classification.